The following is an entry in ClinVar:

ClinVar aggregate classification (germline): Conflicting classifications of pathogenicity. Review status: criteria provided, conflicting classifications (1 of 4 stars). 3 submissions from 3 submitters: Uncertain significance (2); Likely benign (1). Last evaluated 2025-03-12.

Conditions:
Hearing loss, autosomal dominant 82. Also called: Deafness, autosomal dominant 82. Identifiers: MedGen C5676948, MONDO:0030719, OMIM 619804.

Allele frequency attached by ClinVar (database versions not stated): ExAC 0.00002; gnomAD exomes 0.00002; gnomAD 0.00005; TOPMed 0.00006; ESP Exome Variant Server 0.00008.
gnomAD v4.1: 32 of 1,614,042 alleles (0.002%); highest among the groups gnomAD compares: Middle Eastern, 0.13%; no homozygotes.

Submissions (3):

Labcorp Genetics (formerly Invitae), Labcorp
Classification: Uncertain significance. Last evaluated: 2025-03-12. Review status: criteria provided, single submitter. Criteria: Invitae Variant Classification Sherloc (09022015). Collection method: clinical testing. Allele origin: germline.
Comment: This sequence change replaces alanine, which is neutral and non-polar, with threonine, which is neutral and polar, at codon 940 of the ATP2B2 protein (p.Ala940Thr). This variant is present in population databases (rs146069247, gnomAD 0.02%). This variant has not been reported in the literature in individuals affected with ATP2B2-related conditions. ClinVar contains an entry for this variant (Variation ID: 1510104). Invitae Evidence Modeling of protein sequence and biophysical properties (such as structural, functional, and spatial information, amino acid conservation, physicochemical variation, residue mobility, and thermodynamic stability) indicates that this missense variant is not expected to disrupt ATP2B2 protein function with a negative predictive value of 80%. In summary, the available evidence is currently insufficient to determine the role of this variant in disease. Therefore, it has been classified as a Variant of Uncertain Significance.

Laboratory of Prof. Karen Avraham, Tel Aviv University
Classification: Uncertain significance for Hearing loss, autosomal dominant 82. Last evaluated: 2024-12-15. Review status: criteria provided, single submitter. Criteria: ACMG Guidelines, 2015. Collection method: research. Allele origin: germline. Affected: yes. Observed: 1 variant allele.
Comment: The ATP2B2 c.2953G>A:p.(Ala985Thr) heterozygous variant is predicted deleterious by most prediction tools and is very rare.

CeGaT Center for Human Genetics Tuebingen
Classification: Likely benign. Last evaluated: 2022-07-01. Review status: criteria provided, single submitter. Criteria: CeGaT Center For Human Genetics Tuebingen Variant Classification Criteria Version 2. Collection method: clinical testing. Allele origin: germline. Affected: yes. Observed: 1 variant allele.
Comment: ATP2B2: PP2, BS2

NM_001001331.4(ATP2B2):c.2953G>A (p.Ala985Thr)

Gene: ATP2B2 (ATPase plasma membrane Ca2+ transporting 2; minus strand). Cytogenetic location: 3p25.3.
Variant type: single nucleotide variant.
Coding change: c.2953G>A on transcript NM_001001331.4 (MANE Select); coding-DNA position 2953, G replaced by A.
Protein change: p.Ala985Thr; replaces alanine 985 with threonine.
Molecular consequence: missense variant.
Genome position (GRCh38, 1-based): chr3:10,340,669, C>T on the plus strand (G>A on the coding strand, the complement: ATP2B2 is on the minus strand). VCF-style: chr3-10340669-C-T. GRCh37 (hg19) VCF-style: chr3-10382353-C-T.
Other names: DFNA82; c.2818G>A, p.Ala940Thr (NM_001330611.3, NM_001353564.1, NM_001363862.1 and 1 more transcripts); short protein forms A940T, A985T.
Identifiers: ClinVar variation 1510104 (VCV001510104.31), dbSNP rs146069247, ClinGen allele CA2253223.
Genomic context (GRCh38, chr3:10,340,669, plus strand): 5'-TCATGACGAAGGTGTTGAAGATGATGGTGTAATGTTCTGAGGGTGGCGAATGCAGGGGCG[C>T]GTTCCTCCCGCTGTCGATCTGGAACATCTTCTCGCCTGCCAAGTGAGAGAGTGGGGCTGG-3'
Protein context (NP_001001331.1, residues 975-995): KMFQIDSGRN[Ala985Thr]PLHSPPSEHY